The following is an entry in ClinVar:

NM_004706.4(ARHGEF1):c.1033G>A (p.Glu345Lys)

Gene: ARHGEF1 (Rho guanine nucleotide exchange factor 1; plus strand). Cytogenetic location: 19q13.2.
Variant type: single nucleotide variant.
Coding change: c.1033G>A on transcript NM_004706.4 (MANE Select); coding-DNA position 1033, G replaced by A.
Protein change: p.Glu345Lys; replaces glutamic acid 345 with lysine.
Molecular consequence: missense variant. On other transcripts: non-coding transcript variant (2).
Genome position (GRCh38, 1-based): chr19:41,896,394, G>A. VCF-style: chr19-41896394-G-A. GRCh37 (hg19) VCF-style: chr19-42400467-G-A.
Other names: c.1033G>A, p.Glu345Lys (NM_001396000.1, NM_001396003.1, NM_001396006.1); c.934G>A, p.Glu312Lys (NM_001396002.1, NM_001396004.1, NM_198977.2); c.1078G>A, p.Glu360Lys (NM_199002.2); short protein forms E312K, E345K, E360K.
Identifiers: ClinVar variation 2113474 (VCV002113474.4), dbSNP rs2513826868, ClinGen allele CA406055780.

ClinVar aggregate classification (germline): Uncertain significance (1 of 4 stars; one submission).

Submission:

Labcorp Genetics (formerly Invitae), Labcorp
Classification: Uncertain significance. Last evaluated: 2022-03-18. Review status: criteria provided, single submitter. Criteria: Invitae Variant Classification Sherloc (09022015). Collection method: clinical testing. Allele origin: germline.
Comment: This sequence change replaces glutamic acid, which is acidic and polar, with lysine, which is basic and polar, at codon 360 of the ARHGEF1 protein (p.Glu360Lys). This variant is not present in population databases (gnomAD no frequency). This variant has not been reported in the literature in individuals affected with ARHGEF1-related conditions. Algorithms developed to predict the effect of missense changes on protein structure and function (SIFT, PolyPhen-2, Align-GVGD) all suggest that this variant is likely to be disruptive. In summary, the available evidence is currently insufficient to determine the role of this variant in disease. Therefore, it has been classified as a Variant of Uncertain Significance.